The following is an entry in ClinVar:

ClinVar aggregate classification (germline): Conflicting classifications of pathogenicity. Review status: criteria provided, conflicting classifications (1 of 4 stars). 4 submissions from 4 submitters: Likely pathogenic (1); Uncertain significance (2). 1 of the submissions does not count toward it. Last evaluated 2025-06-20.

Conditions:
Intellectual developmental disorder, autosomal recessive 43. Also called: Intellectual disability, autosomal recessive 43. Identifiers: Orphanet 88616, MedGen C4014386, MONDO:0014354, OMIM 615817.

Allele frequency attached by ClinVar (database versions not stated): gnomAD 0.00027 and 0.00029; ESP Exome Variant Server 0.00033; TOPMed 0.00022; ExAC 0.00026.
gnomAD v4.1: 718 of 1,613,874 alleles (0.044%); highest among the groups gnomAD compares: Non-Finnish European, 0.059%; 1 homozygote.

Submissions (4):

Women's Health and Genetics/Laboratory Corporation of America, LabCorp
Classification: Uncertain significance. Last evaluated: 2025-06-20. Review status: criteria provided, single submitter. Criteria: LabCorp Variant Classification Summary - May 2015. Collection method: clinical testing. Allele origin: germline.
Comment: Variant summary: WASHC4 c.1508A>G (p.His503Arg) results in a non-conservative amino acid change located in the WASH complex subunit 4, N-terminal domain (IPR028191) of the encoded protein sequence. Algorithms developed to predict the effect of missense changes on protein structure and function are either unavailable or do not agree on the potential impact of this missense change. The variant allele was found at a frequency of 0.00044 in 1613874 control chromosomes in the gnomAD database, including 1 homozygote. This frequency is not significantly higher than estimated for a pathogenic variant in WASHC4 causing Intellectual developmental disorder, autosomal recessive 43, allowing no conclusion about variant significance. c.1508A>G has been reported in the literature in at least one compound heterozygous individual affected with intellectual disability and/or multiple congenital anomalies who also carried a variant in a different intellectual disability-related gene (Bruel_2019). These data do not allow any conclusion about variant significance. To our knowledge, no experimental evidence demonstrating an impact on protein function has been reported. The following publications have been ascertained in the context of this evaluation (PMID: 31953988, 31231135, 34599609, 35667337, 37586840). ClinVar contains an entry for this variant (Variation ID: 695112). Based on the evidence outlined above, the variant was classified as uncertain significance.

CeGaT Center for Human Genetics Tuebingen
Classification: Uncertain significance. Last evaluated: 2024-07-01. Review status: criteria provided, single submitter. Criteria: CeGaT Center For Human Genetics Tuebingen Variant Classification Criteria Version 2. Collection method: clinical testing. Allele origin: germline. Affected: yes. Observed: 1 variant allele.
Comment: WASHC4: PM2:Supporting, PM3:Supporting

Equipe Genetique des Anomalies du Developpement, Université de Bourgogne
Classification: Likely pathogenic for Intellectual developmental disorder, autosomal recessive 43. Last evaluated: 2019-06-03. Review status: criteria provided, single submitter. Criteria: ACMG Guidelines, 2015. Collection method: research. Allele origin: maternal. Affected: yes. Observed: 1 variant allele.

OMIM
Classification: Pathogenic for INTELLECTUAL DEVELOPMENTAL DISORDER, AUTOSOMAL RECESSIVE 43. Last evaluated: 2022-07-21. Review status: no assertion criteria provided. Collection method: literature only. Allele origin: germline. Not counted in ClinVar's aggregate classification.

Literature cited by the submitters: PubMed 31231135 (cited by Women's Health and Genetics/Laboratory Corporation of America, LabCorp); PubMed 31953988 (cited by Women's Health and Genetics/Laboratory Corporation of America, LabCorp and OMIM); PubMed 34599609 (cited by Women's Health and Genetics/Laboratory Corporation of America, LabCorp); PubMed 35667337 (cited by Women's Health and Genetics/Laboratory Corporation of America, LabCorp); PubMed 37586840 (cited by Women's Health and Genetics/Laboratory Corporation of America, LabCorp).

NM_015275.3(WASHC4):c.1508A>G (p.His503Arg)

Gene: WASHC4 (WASH complex subunit 4; plus strand). Cytogenetic location: 12q23.3.
Variant type: single nucleotide variant.
Coding change: c.1508A>G on transcript NM_015275.3 (MANE Select); coding-DNA position 1508, A replaced by G.
Protein change: p.His503Arg; replaces histidine 503 with arginine.
Molecular consequence: missense variant.
Genome position (GRCh38, 1-based): chr12:105,140,349, A>G. VCF-style: chr12-105140349-A-G. GRCh37 (hg19) VCF-style: chr12-105534127-A-G.
Other names: c.1511A>G, p.His504Arg (NM_001293640.2); short protein forms H504R, H503R.
Identifiers: ClinVar variation 695112 (VCV000695112.21), dbSNP rs201428088, ClinGen allele CA6758628.